The following is an entry in ClinVar:

NM_006231.4(POLE):c.2867A>G (p.Tyr956Cys)

Gene: POLE (DNA polymerase epsilon, catalytic subunit; minus strand). Cytogenetic location: 12q24.33.
Variant type: single nucleotide variant.
Coding change: c.2867A>G on transcript NM_006231.4 (MANE Select); coding-DNA position 2867, A replaced by G.
Protein change: p.Tyr956Cys; replaces tyrosine 956 with cysteine.
Molecular consequence: missense variant.
Genome position (GRCh38, 1-based): chr12:132,661,162, T>C on the plus strand (A>G on the coding strand, the complement: POLE is on the minus strand). VCF-style: chr12-132661162-T-C. GRCh37 (hg19) VCF-style: chr12-133237748-T-C.
Other names: short protein forms Y956C.
Identifiers: ClinVar variation 1302625 (VCV001302625.7), dbSNP rs1593776406, ClinGen allele CA387393016.
Genomic context (GRCh38, chr12:132,661,162, plus strand): 5'-CGGCGTTTGACCTCAAAGCCCTTGAGCTCAGCCAGAGAACCGTCTTCATTGAACACAGCA[T>C]ACCTGAAAAAAAAAAAAAAGGCAAGCACAGCAGTGGCAAGGAGCGCTGGGGAGCCACCAG-3'
Protein context (NP_006222.2, residues 946-966): KEEGKKLKKR[Tyr956Cys]AVFNEDGSLA

ClinVar aggregate classification (germline): Uncertain significance. Review status: criteria provided, multiple submitters, no conflicts (2 of 4 stars). 3 submissions from 3 submitters: Uncertain significance (3). Last evaluated 2025-08-10.

Conditions:
Hereditary cancer-predisposing syndrome. Also called: Tumor predisposition; Neoplastic Syndromes, Hereditary; Hereditary Cancer Syndrome; Hereditary neoplastic syndrome. Identifiers: Orphanet 140162, MedGen C0027672, MeSH D009386, MONDO:0015356.

Submissions (3):

Labcorp Genetics (formerly Invitae), Labcorp
Classification: Uncertain significance. Last evaluated: 2025-08-10. Review status: criteria provided, single submitter. Criteria: Invitae Variant Classification Sherloc (09022015). Collection method: clinical testing. Allele origin: germline.
Comment: This sequence change replaces tyrosine, which is neutral and polar, with cysteine, which is neutral and slightly polar, at codon 956 of the POLE protein (p.Tyr956Cys). This variant is not present in population databases (gnomAD no frequency). This variant has not been reported in the literature in individuals affected with POLE-related conditions. ClinVar contains an entry for this variant (Variation ID: 1302625). An algorithm developed to predict the effect of missense changes on protein structure and function (PolyPhen-2) suggests that this variant is likely to be disruptive. In summary, the available evidence is currently insufficient to determine the role of this variant in disease. Therefore, it has been classified as a Variant of Uncertain Significance.

Ambry Genetics
Classification: Uncertain significance for Hereditary cancer-predisposing syndrome. Last evaluated: 2024-11-15. Review status: criteria provided, single submitter. Criteria: Ambry Variant Classification Scheme 2023. Collection method: clinical testing. Allele origin: germline.
Comment: The p.Y956C variant (also known as c.2867A>G), located in coding exon 25 of the POLE gene, results from an A to G substitution at nucleotide position 2867. The tyrosine at codon 956 is replaced by cysteine, an amino acid with highly dissimilar properties. This amino acid position is conserved. In addition, this alteration is predicted to be deleterious by in silico analysis. Based on the available evidence, the clinical significance of this variant remains unclear.

GeneDx
Classification: Uncertain significance. Last evaluated: 2019-04-29. Review status: criteria provided, single submitter. Criteria: GeneDx Variant Classification Process June 2021. Collection method: clinical testing. Allele origin: germline. Affected: yes.
Comment: Not observed in large population cohorts (Lek et al., 2016); Has not been previously published as pathogenic or benign to our knowledge